The following is an entry in ClinVar:

NM_001286.5(CLCN6):c.1015G>A (p.Val339Met)

Gene: CLCN6 (chloride voltage-gated channel 6; plus strand). Cytogenetic location: 1p36.22.
Variant type: single nucleotide variant.
Coding change: c.1015G>A on transcript NM_001286.5 (MANE Select); coding-DNA position 1015, G replaced by A.
Protein change: p.Val339Met; replaces valine 339 with methionine.
Molecular consequence: missense variant. On other transcripts: non-coding transcript variant (1).
Genome position (GRCh38, 1-based): chr1:11,828,518, G>A. VCF-style: chr1-11828518-G-A. GRCh37 (hg19) VCF-style: chr1-11888575-G-A.
Other names: c.1015G>A (NM_001286.2); c.949G>A, p.Val317Met (NM_001256959.2); short protein forms V339M, V317M.
Identifiers: ClinVar variation 1442790 (VCV001442790.9), dbSNP rs755646612, ClinGen allele CA596314.

ClinVar aggregate classification (germline): Uncertain significance. Review status: criteria provided, multiple submitters, no conflicts (2 of 4 stars). 2 submissions from 2 submitters: Uncertain significance (2). Last evaluated 2026-01-15.

Allele frequency attached by ClinVar (database versions not stated): gnomAD 0.00003 and 0.00004; gnomAD exomes 0.00003; TOPMed 0.00003; ExAC 0.00004.
gnomAD v4.1: 76 of 1,614,090 alleles (0.0047%); highest among the groups gnomAD compares: African/African-American, 0.008%; no homozygotes.

Submissions (2):

Labcorp Genetics (formerly Invitae), Labcorp
Classification: Uncertain significance. Last evaluated: 2026-01-15. Review status: criteria provided, single submitter. Criteria: Invitae Variant Classification Sherloc (09022015). Collection method: clinical testing. Allele origin: germline.
Comment: This sequence change replaces valine, which is neutral and non-polar, with methionine, which is neutral and non-polar, at codon 339 of the CLCN6 protein (p.Val339Met). This variant is present in population databases (rs755646612, gnomAD 0.01%). This variant has not been reported in the literature in individuals affected with CLCN6-related conditions. ClinVar contains an entry for this variant (Variation ID: 1442790). An algorithm developed to predict the effect of missense changes on protein structure and function outputs the following: PolyPhen-2: "Benign". The methionine amino acid residue is found in multiple mammalian species, which suggests that this missense change does not adversely affect protein function. In summary, the available evidence is currently insufficient to determine the role of this variant in disease. Therefore, it has been classified as a Variant of Uncertain Significance.

Ambry Genetics
Classification: Uncertain significance. Last evaluated: 2021-07-20. Review status: criteria provided, single submitter. Criteria: Ambry Variant Classification Scheme 2023. Collection method: clinical testing. Allele origin: germline.